The following is an entry in ClinVar:

NM_002778.4(PSAP):c.205G>A (p.Val69Ile)

Gene: PSAP (prosaposin; minus strand). Cytogenetic location: 10q22.1.
Variant type: single nucleotide variant.
Coding change: c.205G>A on transcript NM_002778.4 (MANE Select); coding-DNA position 205, G replaced by A.
Protein change: p.Val69Ile; replaces valine 69 with isoleucine.
Molecular consequence: missense variant.
Genome position (GRCh38, 1-based): chr10:71,831,890, C>T on the plus strand (G>A on the coding strand, the complement: PSAP is on the minus strand). VCF-style: chr10-71831890-C-T. GRCh37 (hg19) VCF-style: chr10-73591647-C-T.
Other names: c.205G>A, p.Val69Ile (NM_001042465.3, NM_001042466.3); short protein forms V69I.
Identifiers: ClinVar variation 1987216 (VCV001987216.2), dbSNP rs1290075693, ClinGen allele CA377155000.

ClinVar aggregate classification (germline): Uncertain significance. Review status: criteria provided, multiple submitters, no conflicts (2 of 4 stars). 2 submissions from 2 submitters: Uncertain significance (2). Last evaluated 2026-08-06.

Conditions:
Parkinson disease 24, autosomal dominant, susceptibility to. Identifiers: MedGen C5561969, MONDO:0859183, OMIM 619491.
Sphingolipid activator protein 1 deficiency. Also called: METACHROMATIC LEUKODYSTROPHY DUE TO CEREBROSIDE SULFATASE ACTIVATOR DEFICIENCY; Metachromatic leukodystrophy due to saposin B deficiency; Saposin B Deficiency. Identifiers: Orphanet 512, MedGen C0268262, MONDO:0009590, OMIM 249900.

Allele frequency attached by ClinVar (database versions not stated): TOPMed below 0.00001; gnomAD 0.00001.
gnomAD v4.1: 19 of 1,613,914 alleles (0.0012%); highest among the groups gnomAD compares: South Asian, 0.0022%; no homozygotes.

Submissions (2):

OLLIN Analises Genomicas, OLLIN
Classification: Uncertain significance for Parkinson disease 24, autosomal dominant, susceptibility to. Last evaluated: 2026-08-06. Review status: criteria provided, single submitter. Criteria: ACMG Guidelines 2015 PMID 25741868. Collection method: clinical testing. Allele origin: germline.
Comment: This missense variant, located in exon 3 (of 14), has been reported in ClinVar (accession VCV001987216.1) and in gnomAD with an allele frequency of 0.0012%. However, to our knowledge, it has not been reported in the scientific literature. In silico analysis predicts that this variant has a tolerated effect. According to the currently available evidence, this variant has been classified as uncertain significance (PM2_P, BP4).

Labcorp Genetics (formerly Invitae), Labcorp
Classification: Uncertain significance for Sphingolipid activator protein 1 deficiency. Last evaluated: 2022-05-23. Review status: criteria provided, single submitter. Criteria: Invitae Variant Classification Sherloc (09022015). Collection method: clinical testing. Allele origin: germline.
Comment: This sequence change replaces valine, which is neutral and non-polar, with isoleucine, which is neutral and non-polar, at codon 69 of the PSAP protein (p.Val69Ile). This variant is not present in population databases (gnomAD no frequency). This variant has not been reported in the literature in individuals affected with PSAP-related conditions. Algorithms developed to predict the effect of missense changes on protein structure and function are either unavailable or do not agree on the potential impact of this missense change (SIFT: "Not Available"; PolyPhen-2: "Benign"; Align-GVGD: "Not Available"). In summary, the available evidence is currently insufficient to determine the role of this variant in disease. Therefore, it has been classified as a Variant of Uncertain Significance.